The following is an entry in ClinVar:

ClinVar aggregate classification (germline): Uncertain significance. Review status: criteria provided, multiple submitters, no conflicts (2 of 4 stars). 3 submissions from 3 submitters: Uncertain significance (3). Last evaluated 2025-06-13.

Conditions:
Acute myeloid leukemia (AML). Also called: Acute myeloid leukemia, adult; AML adult; Acute non-lymphocytic leukemia; Acute granulocytic leukemia; Leukemia, acute myeloid, somatic; Leukemia, acute myelogenous, somatic. Identifiers: Orphanet 519, MedGen C0023467, MeSH D015470, MONDO:0018874, OMIM 601626, HP:0004808. Disease mechanism: Constitutively activated FLT3.
Inborn genetic diseases. Identifiers: MedGen C0950123, MeSH D030342.

Submissions (3):

Ambry Genetics
Classification: Uncertain significance for Inborn genetic diseases. Last evaluated: 2025-06-13. Review status: criteria provided, single submitter. Criteria: Ambry Variant Classification Scheme 2023. Collection method: clinical testing. Allele origin: germline.
Comment: The p.H212P variant (also known as c.635A>C), located in coding exon 1 of the CEBPA gene, results from an A to C substitution at nucleotide position 635. The histidine at codon 212 is replaced by proline, an amino acid with similar properties. This amino acid position is conserved. In addition, this alteration is predicted to be tolerated by in silico analysis. Based on the available evidence, the clinical significance of this variant remains unclear.

Labcorp Genetics (formerly Invitae), Labcorp
Classification: Uncertain significance for Acute myeloid leukemia. Last evaluated: 2024-10-18. Review status: criteria provided, single submitter. Criteria: Invitae Variant Classification Sherloc (09022015). Collection method: clinical testing. Allele origin: germline.
Comment: This sequence change replaces histidine, which is basic and polar, with proline, which is neutral and non-polar, at codon 212 of the CEBPA protein (p.His212Pro). This variant is not present in population databases (gnomAD no frequency). This variant has not been reported in the literature in individuals affected with CEBPA-related conditions. ClinVar contains an entry for this variant (Variation ID: 2165209). Invitae Evidence Modeling of protein sequence and biophysical properties (such as structural, functional, and spatial information, amino acid conservation, physicochemical variation, residue mobility, and thermodynamic stability) indicates that this missense variant is not expected to disrupt CEBPA protein function with a negative predictive value of 80%. In summary, the available evidence is currently insufficient to determine the role of this variant in disease. Therefore, it has been classified as a Variant of Uncertain Significance.

Baylor Genetics
Classification: Uncertain significance for Acute myeloid leukemia. Last evaluated: 2023-12-12. Review status: criteria provided, single submitter. Criteria: ACMG Guidelines, 2015. Collection method: clinical testing. Allele origin: unknown.

NM_004364.5(CEBPA):c.635A>C (p.His212Pro)

Gene: CEBPA (CCAAT enhancer binding protein alpha; minus strand). Cytogenetic location: 19q13.11.
Variant type: single nucleotide variant.
Coding change: c.635A>C on transcript NM_004364.5 (MANE Select); coding-DNA position 635, A replaced by C.
Protein change: p.His212Pro; replaces histidine 212 with proline.
Molecular consequence: missense variant.
Genome position (GRCh38, 1-based): chr19:33,301,780, T>G on the plus strand (A>C on the coding strand, the complement: CEBPA is on the minus strand). VCF-style: chr19-33301780-T-G. GRCh37 (hg19) VCF-style: chr19-33792686-T-G.
Other names: c.278A>C, p.His93Pro (NM_001285829.2); c.740A>C, p.His247Pro (NM_001287424.2); c.593A>C, p.His198Pro (NM_001287435.2); short protein forms H198P, H212P, H247P, H93P.
Identifiers: ClinVar variation 2165209 (VCV002165209.6), dbSNP rs1967174956, ClinGen allele CA405274531.
Genomic context (GRCh38, chr19:33,301,780, plus strand): 5'-ACGGGCGTGGGCGGCGGCGTGGGGTGACCGGGCTGCAGGTGCATGGTGGTCTGGCCGCAG[T>G]GCGCGATCTGGAACTGCAGGTGCGGGGCGGCCAGGTGCGCGGGCGGCGGGTGCGGGTGCG-3'
Protein context (NP_004355.2, residues 202-222): AAPHLQFQIA[His212Pro]CGQTTMHLQP